The following is an entry in ClinVar:

ClinVar aggregate classification (germline): Conflicting classifications of pathogenicity. Review status: criteria provided, conflicting classifications (1 of 4 stars). 5 submissions from 5 submitters: Uncertain significance (1); Likely benign (3). 1 of the submissions does not count toward it. Last evaluated 2026-02-03.

Conditions:
ADIPOQ-related disorder. Also called: ADIPOQ-related condition.

Allele frequency attached by ClinVar (database versions not stated): 1000 Genomes Project 0.00180; 1000 Genomes Project 30x 0.00187; gnomAD 0.00283 and 0.00289; gnomAD exomes 0.00299; TOPMed 0.00301; ExAC 0.00304; ESP Exome Variant Server 0.00415.
gnomAD v4.1: 5,110 of 1,613,664 alleles (0.32%); highest among the groups gnomAD compares: Middle Eastern, 1.1%; 17 homozygotes.

Submissions (5):

GeneDx
Classification: Uncertain significance. Last evaluated: 2026-02-03. Review status: criteria provided, single submitter. Criteria: GeneDx Variant Classification Process June 2021. Collection method: clinical testing. Allele origin: germline.
Comment: Reported in association with lower adiponectin levels and diabetes (PMID: 12354786); In silico analysis supports that this missense variant has a deleterious effect on protein structure/function; Published functional studies demonstrate this variant results in impaired multimerization (PMID: 22046359, 12878598); This variant is associated with the following publications: (PMID: 34850337, 30405126, 25447270, 12878598, 26306152, 23396303, 17950099, 18328815, 32915782, 16324920, 36325899, 40475165, 40565591, 37888112, 38674417, 38333969, 34471717, 36114174, 38541671, 22046359, 12354786)

Blueprint Genetics
Classification: Likely benign. Last evaluated: 2024-11-19. Review status: criteria provided, single submitter. Criteria: ACMG Guidelines, 2015. Collection method: clinical testing. Allele origin: germline.

Labcorp Genetics (formerly Invitae), Labcorp
Classification: Likely benign. Last evaluated: 2019-12-31. Review status: criteria provided, single submitter. Criteria: Invitae Variant Classification Sherloc (09022015). Collection method: clinical testing. Allele origin: germline.

Breakthrough Genomics
Classification: Likely benign. Review status: criteria provided, single submitter. Criteria: ACMG Guidelines, 2015. Collection method: not provided. Allele origin: germline. Inheritance: Unknown mechanism. Affected: yes.

PreventionGenetics, part of Exact Sciences
Classification: Likely benign for ADIPOQ-related condition. Last evaluated: 2022-01-21. Review status: no assertion criteria provided. Collection method: clinical testing. Allele origin: germline. Not counted in ClinVar's aggregate classification.
Comment: This variant is classified as likely benign based on ACMG/AMP sequence variant interpretation guidelines (Richards et al. 2015 PMID: 25741868, with internal and published modifications).

NM_004797.4(ADIPOQ):c.268G>A (p.Gly90Ser)

Genes: ADIPOQ (adiponectin, C1Q and collagen domain containing; plus strand), ADIPOQ-AS1 (ADIPOQ antisense RNA 1; minus strand). Cytogenetic location: 3q27.3.
Variant type: single nucleotide variant.
Coding change: c.268G>A on transcript NM_004797.4 (MANE Select); coding-DNA position 268, G replaced by A.
Protein change: p.Gly90Ser; replaces glycine 90 with serine.
Molecular consequence: missense variant. On other transcripts: non-coding transcript variant (1).
Genome position (GRCh38, 1-based): chr3:186,854,237, G>A. VCF-style: chr3-186854237-G-A. GRCh37 (hg19) VCF-style: chr3-186572026-G-A.
Other names: c.268G>A, p.Gly90Ser (NM_001177800.2); short protein forms G90S.
Identifiers: ClinVar variation 789279 (VCV000789279.9), dbSNP rs62625753, ClinGen allele CA2747961.